The following is an entry in ClinVar:

ClinVar aggregate classification (germline): Uncertain significance (1 of 4 stars; one submission).

Conditions:
Norman-Roberts syndrome (LIS2). Also called: Lissencephaly 2 (Norman-Roberts type). Identifiers: Orphanet 89844, MedGen C0796089, MONDO:0009760, OMIM 257320.
Familial temporal lobe epilepsy 7. Identifiers: Orphanet 101046, MedGen C4225327, MONDO:0014639, OMIM 616436.

Submission:

Labcorp Genetics (formerly Invitae), Labcorp
Classification: Uncertain significance for Familial temporal lobe epilepsy 7; Norman-Roberts syndrome. Last evaluated: 2022-06-28. Review status: criteria provided, single submitter. Criteria: Invitae Variant Classification Sherloc (09022015). Collection method: clinical testing. Allele origin: germline.
Comment: In summary, the available evidence is currently insufficient to determine the role of this variant in disease. Therefore, it has been classified as a Variant of Uncertain Significance. Algorithms developed to predict the effect of missense changes on protein structure and function are either unavailable or do not agree on the potential impact of this missense change (SIFT: "Deleterious"; PolyPhen-2: "Benign"; Align-GVGD: "Class C0"). This variant has not been reported in the literature in individuals affected with RELN-related conditions. This variant is not present in population databases (gnomAD no frequency). This sequence change replaces threonine, which is neutral and polar, with serine, which is neutral and polar, at codon 2988 of the RELN protein (p.Thr2988Ser).

NM_005045.4(RELN):c.8962A>T (p.Thr2988Ser)

Genes: RELN (reelin; minus strand), SLC26A5-AS1 (SLC26A5 antisense RNA 1; plus strand). Cytogenetic location: 7q22.1.
Variant type: single nucleotide variant.
Coding change: c.8962A>T on transcript NM_005045.4 (MANE Select); coding-DNA position 8962, A replaced by T.
Protein change: p.Thr2988Ser; replaces threonine 2988 with serine.
Molecular consequence: missense variant.
Genome position (GRCh38, 1-based): chr7:103,496,757, T>A on the plus strand (A>T on the coding strand, the complement: RELN is on the minus strand). VCF-style: chr7-103496757-T-A. GRCh37 (hg19) VCF-style: chr7-103137204-T-A.
Other names: c.8962A>T, p.Thr2988Ser (NM_173054.3); short protein forms T2988S.
Identifiers: ClinVar variation 2011968 (VCV002011968.4), dbSNP rs2485744235, ClinGen allele CA368751966.
Genomic context (GRCh38, chr7:103,496,757, plus strand): 5'-GAAGTATGTAGTCGTGTCTAACAGAAATGTATTTCTGGTAATCCATCTCATGGAGCAAAG[T>A]CCAGGTAATTCCTATAATAACAAATATACCAACATAGCAATATATCTAGAATCTCCTGCC-3'
Protein context (NP_005036.2, residues 2978-2998): DYSTDGGITW[Thr2988Ser]LLHEMDYQKY